The following is an entry in ClinVar:

ClinVar aggregate classification (germline): Likely benign. Review status: criteria provided, multiple submitters, no conflicts (2 of 4 stars). 2 submissions from 2 submitters: Likely benign (2). Last evaluated 2026-02-01.

Conditions:
Bethlem myopathy 1A. Also called: Bethlem Muscular Dystrophy; MYOPATHY, BENIGN CONGENITAL, WITH CONTRACTURES; Bethlem myopathy 1. Identifiers: Orphanet 610, MedGen CN029274, MONDO:0024530, OMIM 158810.

Allele frequency attached by ClinVar (database versions not stated): ExAC 0.00001; gnomAD 0.00001; gnomAD exomes 0.00001; TOPMed 0.00001.
gnomAD v4.1: 5 of 1,614,082 alleles (0.00031%); highest among the groups gnomAD compares: Non-Finnish European, 0.00042%; no homozygotes.

Submissions (2):

CeGaT Center for Human Genetics Tuebingen
Classification: Likely benign. Last evaluated: 2026-02-01. Review status: criteria provided, single submitter. Criteria: CeGaT Center For Human Genetics Tuebingen Variant Classification Criteria Version 2. Collection method: clinical testing. Allele origin: germline. Affected: yes. Observed: 1 variant allele.
Comment: COL6A3: BP4, BP7

Labcorp Genetics (formerly Invitae), Labcorp
Classification: Likely benign for Bethlem myopathy 1A. Last evaluated: 2025-10-11. Review status: criteria provided, single submitter. Criteria: Invitae Variant Classification Sherloc (09022015). Collection method: clinical testing. Allele origin: germline.

NM_004369.4(COL6A3):c.231T>C (p.His77=)

Gene: COL6A3 (collagen type VI alpha 3 chain; minus strand). Cytogenetic location: 2q37.3.
Variant type: single nucleotide variant.
Coding change: c.231T>C on transcript NM_004369.4 (MANE Select); coding-DNA position 231, T replaced by C.
Protein change: p.His77=; no amino-acid change (histidine 77 retained).
Molecular consequence: synonymous variant. On other transcripts: intron variant (4).
Genome position (GRCh38, 1-based): chr2:237,395,065, A>G on the plus strand (T>C on the coding strand, the complement: COL6A3 is on the minus strand). VCF-style: chr2-237395065-A-G. GRCh37 (hg19) VCF-style: chr2-238303708-A-G.
Other names: c.91+1662T>C (NM_057166.5, NM_057167.4, NM_057164.5 and 1 more transcripts).
Identifiers: ClinVar variation 2916027 (VCV002916027.7), dbSNP rs781014458, ClinGen allele CA2189914.
Genomic context (GRCh38, chr2:237,395,065, plus strand): 5'-ACGATACGTATTTAACAGGAACTCGGTATGTGGGTTTCCGTTGAACTGGACCAGAGCAAA[A>G]TGGAAATCATTTTCTCCCACAGCTAAGGATTTTACAACATCATATAGAAACTCTCGAACA-3'
Protein context (NP_004360.2, residues 67-87): KSLAVGENDF[His77=]FALVQFNGNP